The following is an entry in ClinVar:

ClinVar aggregate classification (germline): Likely pathogenic (1 of 4 stars; one submission).

Submission:

Labcorp Genetics (formerly Invitae), Labcorp
Classification: Likely pathogenic. Last evaluated: 2021-11-15. Review status: criteria provided, single submitter. Criteria: Invitae Variant Classification Sherloc (09022015). Collection method: clinical testing. Allele origin: germline.
Comment: In summary, the currently available evidence indicates that the variant is pathogenic, but additional data are needed to prove that conclusively. Therefore, this variant has been classified as Likely Pathogenic. This variant disrupts the p.Met195 amino acid residue in AGXT. Other variant(s) that disrupt this residue have been determined to be pathogenic (PMID: 15961946, 24988064; Invitae). This suggests that this residue is clinically significant, and that variants that disrupt this residue are likely to be disease-causing. Algorithms developed to predict the effect of sequence changes on RNA splicing suggest that this variant may create or strengthen a splice site. Advanced modeling of protein sequence and biophysical properties (such as structural, functional, and spatial information, amino acid conservation, physicochemical variation, residue mobility, and thermodynamic stability) performed at Invitae indicates that this missense variant is expected to disrupt AGXT protein function. This variant has not been reported in the literature in individuals affected with AGXT-related conditions. This variant is not present in population databases (gnomAD no frequency). This sequence change replaces methionine, which is neutral and non-polar, with isoleucine, which is neutral and non-polar, at codon 195 of the AGXT protein (p.Met195Ile).

Literature cited by the submitters: PubMed 15961946; PubMed 24988064.

NM_000030.3(AGXT):c.585G>A (p.Met195Ile)

Gene: AGXT (alanine--glyoxylate aminotransferase; plus strand). Cytogenetic location: 2q37.3.
Variant type: single nucleotide variant.
Coding change: c.585G>A on transcript NM_000030.3 (MANE Select); coding-DNA position 585, G replaced by A.
Protein change: p.Met195Ile; replaces methionine 195 with isoleucine.
Molecular consequence: missense variant.
Genome position (GRCh38, 1-based): chr2:240,873,039, G>A. VCF-style: chr2-240873039-G-A. GRCh37 (hg19) VCF-style: chr2-241812456-G-A.
Other names: short protein forms M195I.
Identifiers: ClinVar variation 1485053 (VCV001485053.6), dbSNP rs2106429490, ClinGen allele CA351316609.